The following is an entry in ClinVar:

ClinVar aggregate classification (germline): Uncertain significance (1 of 4 stars; one submission).

Allele frequency attached by ClinVar (database versions not stated): gnomAD exomes below 0.00001; gnomAD 0.00001.
gnomAD v4.1: 6 of 1,551,572 alleles (0.00039%); highest among the groups gnomAD compares: African/African-American, 0.0014%; no homozygotes.

Submission:

Labcorp Genetics (formerly Invitae), Labcorp
Classification: Uncertain significance. Last evaluated: 2023-08-02. Review status: criteria provided, single submitter. Criteria: Invitae Variant Classification Sherloc (09022015). Collection method: clinical testing. Allele origin: germline.
Comment: This sequence change replaces asparagine, which is neutral and polar, with serine, which is neutral and polar, at codon 1387 of the TET2 protein (p.Asn1387Ser). In summary, the available evidence is currently insufficient to determine the role of this variant in disease. Therefore, it has been classified as a Variant of Uncertain Significance. An algorithm developed to predict the effect of missense changes on protein structure and function (PolyPhen-2) suggests that this variant is likely to be disruptive. This variant has not been reported in the literature in individuals affected with TET2-related conditions. This variant is present in population databases (no rsID available, gnomAD 0.002%).

NM_001127208.3(TET2):c.4160A>G (p.Asn1387Ser)

Genes: TET2 (tet methylcytosine dioxygenase 2; plus strand), TET2-AS1 (TET2 antisense RNA 1; minus strand). Cytogenetic location: 4q24.
Variant type: single nucleotide variant.
Coding change: c.4160A>G on transcript NM_001127208.3 (MANE Select); coding-DNA position 4160, A replaced by G.
Protein change: p.Asn1387Ser; replaces asparagine 1387 with serine.
Molecular consequence: missense variant.
Genome position (GRCh38, 1-based): chr4:105,269,725, A>G. VCF-style: chr4-105269725-A-G. GRCh37 (hg19) VCF-style: chr4-106190882-A-G.
Other names: short protein forms N1387S.
Identifiers: ClinVar variation 2991343 (VCV002991343.3), dbSNP rs1422916349, ClinGen allele CA357809849.